The following is an entry in ClinVar:

NM_030958.3(SLCO5A1):c.529G>T (p.Gly177Trp)

Gene: SLCO5A1 (solute carrier organic anion transporter family member 5A1; minus strand). Cytogenetic location: 8q13.3.
Variant type: single nucleotide variant.
Coding change: c.529G>T on transcript NM_030958.3 (MANE Select); coding-DNA position 529, G replaced by T.
Protein change: p.Gly177Trp; replaces glycine 177 with tryptophan.
Molecular consequence: missense variant.
Genome position (GRCh38, 1-based): chr8:69,832,145, C>A on the plus strand (G>T on the coding strand, the complement: SLCO5A1 is on the minus strand). VCF-style: chr8-69832145-C-A. GRCh37 (hg19) VCF-style: chr8-70744380-C-A.
Other names: c.529G>T, p.Gly177Trp (NM_001146008.2, NM_001146009.1); short protein forms G177W.
Identifiers: ClinVar variation 2868018 (VCV002868018.3), dbSNP rs781034329, ClinGen allele CA371267457.
Genomic context (GRCh38, chr8:69,832,145, plus strand): 5'-ACAGGGGCCGCCGACCCCGGCCGCCGAAGTAGCTGACGAACACCACCACCACCAGGTTCC[C>A]GATGTCAAAGCAGCTGACCAGCAGCCCCGACTCGGAACTCTTCAGACTGTAGCGCCTTTC-3'
Protein context (NP_112220.2, residues 167-187): SGLLVSCFDI[Gly177Trp]NLVVVVFVSY

ClinVar aggregate classification (germline): Uncertain significance (1 of 4 stars; one submission).

Submission:

Labcorp Genetics (formerly Invitae), Labcorp
Classification: Uncertain significance. Last evaluated: 2024-11-05. Review status: criteria provided, single submitter. Criteria: Invitae Variant Classification Sherloc (09022015). Collection method: clinical testing. Allele origin: germline.
Comment: This sequence change replaces glycine, which is neutral and non-polar, with tryptophan, which is neutral and slightly polar, at codon 177 of the SLCO5A1 protein (p.Gly177Trp). This variant is not present in population databases (gnomAD no frequency). This variant has not been reported in the literature in individuals affected with SLCO5A1-related conditions. ClinVar contains an entry for this variant (Variation ID: 2868018). An algorithm developed to predict the effect of missense changes on protein structure and function (PolyPhen-2) suggests that this variant is likely to be disruptive. In summary, the available evidence is currently insufficient to determine the role of this variant in disease. Therefore, it has been classified as a Variant of Uncertain Significance.